The following is an entry in ClinVar:

ClinVar aggregate classification (germline): Uncertain significance. Review status: criteria provided, multiple submitters, no conflicts (2 of 4 stars). 2 submissions from 2 submitters: Uncertain significance (2). Last evaluated 2025-11-24.

Allele frequency attached by ClinVar (database versions not stated): gnomAD exomes below 0.00001; TOPMed below 0.00001.
gnomAD v4.1: 2 of 1,613,772 alleles (0.00012%); highest among the groups gnomAD compares: Non-Finnish European, 0.00017%; no homozygotes.

Submissions (2):

Labcorp Genetics (formerly Invitae), Labcorp
Classification: Uncertain significance. Last evaluated: 2025-11-24. Review status: criteria provided, single submitter. Criteria: Invitae Variant Classification Sherloc (09022015). Collection method: clinical testing. Allele origin: germline.
Comment: This sequence change replaces valine, which is neutral and non-polar, with isoleucine, which is neutral and non-polar, at codon 119 of the TTLL5 protein (p.Val119Ile). This variant is not present in population databases (gnomAD no frequency). This variant has not been reported in the literature in individuals affected with TTLL5-related conditions. ClinVar contains an entry for this variant (Variation ID: 999297). Invitae Evidence Modeling of protein sequence and biophysical properties (such as structural, functional, and spatial information, amino acid conservation, physicochemical variation, residue mobility, and thermodynamic stability) indicates that this missense variant is not expected to disrupt TTLL5 protein function with a negative predictive value of 80%. In summary, the available evidence is currently insufficient to determine the role of this variant in disease. Therefore, it has been classified as a Variant of Uncertain Significance.

Blueprint Genetics
Classification: Uncertain significance. Last evaluated: 2020-03-13. Review status: criteria provided, single submitter. Criteria: ACMG Guidelines, 2015. Collection method: clinical testing. Allele origin: germline.

NM_015072.5(TTLL5):c.355G>A (p.Val119Ile)

Gene: TTLL5 (tubulin tyrosine ligase like 5; plus strand). Cytogenetic location: 14q24.3.
Variant type: single nucleotide variant.
Coding change: c.355G>A on transcript NM_015072.5 (MANE Select); coding-DNA position 355, G replaced by A.
Protein change: p.Val119Ile; replaces valine 119 with isoleucine.
Molecular consequence: missense variant.
Genome position (GRCh38, 1-based): chr14:75,683,640, G>A. VCF-style: chr14-75683640-G-A. GRCh37 (hg19) VCF-style: chr14-76149983-G-A.
Other names: short protein forms V119I.
Identifiers: ClinVar variation 999297 (VCV000999297.10), dbSNP rs1884797826, ClinGen allele CA390452577.
Genomic context (GRCh38, chr14:75,683,640, plus strand): 5'-ATGTGGACAGGATCCCACCTGAAGCCCTTCTTACTGCGCACCCTCTCTGAAGCACAAAAA[G>A]TTAATCACTTTCCCAGGTAATGCTCTTTGTAGCTGCTTTGCTTCATTTAAAGGTACATGA-3'
Protein context (NP_055887.3, residues 109-129): LLRTLSEAQK[Val119Ile]NHFPRSYELT